The following is an entry in ClinVar:

ClinVar aggregate classification (germline): Uncertain significance. Review status: criteria provided, multiple submitters, no conflicts (2 of 4 stars). 3 submissions from 3 submitters: Uncertain significance (3). Last evaluated 2026-04-13.

Conditions:
Autosomal dominant nonsyndromic hearing loss 6 (LFSNHL). Also called: DEAFNESS, AUTOSOMAL DOMINANT 6; DEAFNESS, AUTOSOMAL DOMINANT 14; DEAFNESS, AUTOSOMAL DOMINANT 38; Autosomal dominant nonsyndromic deafness 6. Identifiers: Orphanet 90635, MedGen C1833021, MONDO:0010963, OMIM 600965.
Type 2 diabetes mellitus. Also called: Type II diabetes mellitus. Identifiers: MedGen C0011860, MeSH D003924, MONDO:0005148, OMIM 125853, HP:0005978.
Cataract 41 (CTRCT41). Also called: CATARACT 41, CONGENITAL NUCLEAR TYPE. Identifiers: Orphanet 91492, Orphanet 98991, Orphanet 98992, Orphanet 98995, MedGen C3805412, MONDO:0007287, OMIM 116400.
Wolfram-like syndrome. Also called: HEARING LOSS, PROGRESSIVE, WITH OPTIC ATROPHY AND/OR IMPAIRED GLUCOSE REGULATION. Identifiers: Orphanet 411590, MedGen C3280358, MONDO:0013673, OMIM 614296.
Wolfram syndrome 1 (WFS1). Identifiers: Orphanet 3463, MedGen C4551693, MONDO:0009101, OMIM 222300.
WFS1-related disorder. Identifiers: MedGen CN379391, MONDO:0700293.

Allele frequency attached by ClinVar (database versions not stated): ExAC 0.00001; gnomAD 0.00001; TOPMed 0.00001.
gnomAD v4.1: 11 of 1,613,974 alleles (0.00068%); highest among the groups gnomAD compares: East Asian, 0.0022%; no homozygotes.

Submissions (3):

PreventionGenetics, part of Exact Sciences
Classification: Uncertain significance for WFS1-related condition. Last evaluated: 2026-04-13. Review status: criteria provided, single submitter. Criteria: ACMG Guidelines, 2015. Collection method: clinical testing. Allele origin: germline.
Comment: The WFS1 c.1901A>G variant is predicted to result in the amino acid substitution p.Lys634Arg. To our knowledge, this variant has not been reported in the literature. This variant is reported in 0.0054% of alleles in individuals of East Asian descent in gnomAD. At this time, the clinical significance of this variant is uncertain due to the absence of conclusive functional and genetic evidence.

Fulgent Genetics
Classification: Uncertain significance for Cataract 41; Type 2 diabetes mellitus; Wolfram syndrome 1; Autosomal dominant nonsyndromic hearing loss 6; Wolfram-like syndrome. Last evaluated: 2024-02-13. Review status: criteria provided, single submitter. Criteria: ACMG Guidelines, 2015. Collection method: clinical testing. Allele origin: germline.

Labcorp Genetics (formerly Invitae), Labcorp
Classification: Uncertain significance. Last evaluated: 2022-09-15. Review status: criteria provided, single submitter. Criteria: Invitae Variant Classification Sherloc (09022015). Collection method: clinical testing. Allele origin: germline.
Comment: This sequence change replaces lysine, which is basic and polar, with arginine, which is basic and polar, at codon 634 of the WFS1 protein (p.Lys634Arg). This variant is present in population databases (rs104893882, gnomAD 0.006%). This variant has not been reported in the literature in individuals affected with WFS1-related conditions. Advanced modeling of protein sequence and biophysical properties (such as structural, functional, and spatial information, amino acid conservation, physicochemical variation, residue mobility, and thermodynamic stability) performed at Invitae indicates that this missense variant is not expected to disrupt WFS1 protein function. This variant disrupts the p.Lys634 amino acid residue in WFS1. Other variant(s) that disrupt this residue have been determined to be pathogenic (PMID: 12181639). This suggests that this residue is clinically significant, and that variants that disrupt this residue are likely to be disease-causing. In summary, the available evidence is currently insufficient to determine the role of this variant in disease. Therefore, it has been classified as a Variant of Uncertain Significance.

Literature cited by the submitters: PubMed 12181639 (cited by Labcorp Genetics (formerly Invitae), Labcorp).

NM_006005.3(WFS1):c.1901A>G (p.Lys634Arg)

Gene: WFS1 (wolframin ER transmembrane glycoprotein; plus strand). Cytogenetic location: 4p16.1.
Variant type: single nucleotide variant.
Coding change: c.1901A>G on transcript NM_006005.3 (MANE Select); coding-DNA position 1901, A replaced by G.
Protein change: p.Lys634Arg; replaces lysine 634 with arginine.
Molecular consequence: missense variant.
Genome position (GRCh38, 1-based): chr4:6,301,696, A>G. VCF-style: chr4-6301696-A-G. GRCh37 (hg19) VCF-style: chr4-6303423-A-G.
Other names: c.1901A>G, p.Lys634Arg (NM_001145853.1); short protein forms K634R.
Identifiers: ClinVar variation 2160759 (VCV002160759.6), dbSNP rs104893882, ClinGen allele CA2839539.
Genomic context (GRCh38, chr4:6,301,696, plus strand): 5'-CCAAGGCCAGCTTCTCTGTGGTGGGGATGGTGAAGTCCCTGACGCGGAGCTCCATGGTCA[A>G]GCTCATCCTGGTGTGGCTCACGGCCATCGTGCTGTTCTGCTGGTTCTATGTGTACCGCTC-3'
Protein context (NP_005996.2, residues 624-644): VKSLTRSSMV[Lys634Arg]LILVWLTAIV